The following is an entry in ClinVar:

NM_000518.5(HBB):c.292_295dup (p.Val99fs)

Genes: HBB (hemoglobin subunit beta; minus strand), LOC106099062 (HBB recombination region; plus strand), LOC107133510 (origin of replication at HBB; plus strand). Cytogenetic location: 11p15.4.
Variant type: Duplication.
Coding change: c.292_295dup on transcript NM_000518.5 (MANE Select); coding-DNA positions 292 to 295, 4 bases duplicated (CACG; older notation c.292_295dupCACG).
Protein change: p.Val99fs; shifts the reading frame from valine 99.
Molecular consequence: frameshift variant.
Genome position (GRCh38, 1-based): chr11:5,226,597-5,226,600, CGTG duplicated on the plus strand (CACG on the coding strand, the reverse complement: HBB is on the minus strand); duplicating any 4 consecutive bases within chr11:5,226,597-5,226,601 gives the same sequence; the c. name uses the placement nearest the transcript's 3' end. VCF-style (leftmost placement, unchanged base first): chr11-5226596-A-ACGTG. GRCh37 (hg19) VCF-style: chr11-5247826-A-ACGTG.
Other names: c.292_295dupCACG (NM_000518.4, NM_000518.5); short protein forms V99fs.
Identifiers: ClinVar variation 619685 (VCV000619685.6), dbSNP rs1564874901, ClinGen allele CA913190234.

ClinVar aggregate classification (germline): Pathogenic/Likely pathogenic. Review status: criteria provided, multiple submitters, no conflicts (2 of 4 stars). 4 submissions from 4 submitters: Pathogenic (2); Likely pathogenic (2). Last evaluated 2024-09-04.

Conditions:
Hemoglobinopathy. Also called: Hemoglobin disorder; Haemoglobinopathies. Identifiers: MedGen C0019045, MONDO:0044348.
beta Thalassemia (BTHAL). Also called: Cooley's anemia; Erythroblastic anemia; Mediterranean anemia. Identifiers: Orphanet 848, MedGen C0005283, MONDO:0019402. Disease mechanism: loss of function.

Submissions (4):

ARUP Laboratories, Molecular Genetics and Genomics, ARUP Laboratories
Classification: Pathogenic. Last evaluated: 2024-09-04. Review status: criteria provided, single submitter. Criteria: ARUP Molecular Germline Variant Investigation Process 2024. Collection method: clinical testing. Allele origin: germline.
Comment: The HBB c.292_295dup; p.Val99AlafsTer5 variant (rs1564874901, ClinVar Variation ID: 619685, also known as Val98fs when numbered from the mature protein), is reported in the literature in child with anemia and clinical data of thalassemia, and in their mother with transfusion-dependent beta thalassemia (Martinez Villegas 2021). This variant is absent from the Genome Aggregation Database (v2.1.1), indicating it is not a common polymorphism. This variant causes a frameshift by inserting four nucleotides, so it is predicted to result in a truncated protein or mRNA subject to nonsense-mediated decay. Based on available information, this variant is considered to be pathogenic. References: Martinez Villegas O et al. Analysis of a Novel Mexican Variant of the HBB Gene Associated with B-Thalassemia Using Bioinformatic Tools. Hemoglobin. 2021 Mar;45(2):87-93. PMID: 34060411.

Natera, Inc.
Classification: Likely pathogenic for Beta thalassemia. Last evaluated: 2024-05-07. Review status: criteria provided, single submitter. Criteria: Natera Variant Classification Schema (03/2026). Collection method: clinical testing. Allele origin: germline.
Comment: The c.292_295dupCACG variant in HBB is a frameshift variant predicted to shift the reading frame beginning at codon 99 and leads to a stop codon 5 codons downstream. This variant is expected to result in nonsense mediated decay, truncation, or a dysfunctional protein product. This variant is rare in the general population with a frequency below the threshold expected for the associated phenotype(s). This variant has been observed to segregate in affected family members (PMID: 34060411). Given the available evidence, this variant is classified as Likely Pathogenic.

Women's Health and Genetics/Laboratory Corporation of America, LabCorp
Classification: Likely pathogenic for Hemoglobinopathy. Last evaluated: 2021-11-24. Review status: criteria provided, single submitter. Criteria: LabCorp Variant Classification Summary - May 2015. Collection method: clinical testing. Allele origin: germline.
Comment: Variant summary: HBB c.292_295dupCACG (p.Val99AlafsX5) results in a premature termination codon, predicted to cause a truncation of the encoded protein or absence of the protein due to nonsense mediated decay, which are commonly known mechanisms for disease. Truncations downstream of this position have been classified as pathogenic by our laboratory. The variant was absent in 251394 control chromosomes. To our knowledge, no occurrence of c.292_295dupCACG in individuals affected with Hemoglobinopathy and no experimental evidence demonstrating its impact on protein function have been reported. One clinical diagnostic laboratory has submitted clinical-significance assessments for this variant to ClinVar after 2014 without evidence for independent evaluation. One laboratory classified the variant as pathogenic/likely pathogenic. Based on the evidence outlined above, the variant was classified as likely pathogenic.

Quest Diagnostics Nichols Institute San Juan Capistrano
Classification: Pathogenic. Last evaluated: 2018-02-14. Review status: criteria provided, single submitter. Criteria: Quest Diagnostics criteria. Collection method: clinical testing. Allele origin: germline.

Literature cited by the submitters: PubMed 34060411 (cited by Natera, Inc.).